The following is an entry in ClinVar:

ClinVar aggregate classification (germline): Pathogenic (1 of 4 stars; one submission).

Submission:

Labcorp Genetics (formerly Invitae), Labcorp
Classification: Pathogenic. Last evaluated: 2024-01-25. Review status: criteria provided, single submitter. Criteria: Invitae Variant Classification Sherloc (09022015). Collection method: clinical testing. Allele origin: germline.
Comment: This sequence change creates a premature translational stop signal (p.His2426Leufs*2) in the TG gene. It is expected to result in an absent or disrupted protein product. Loss-of-function variants in TG are known to be pathogenic (PMID: 19837936, 23164529). This variant is not present in population databases (gnomAD no frequency). This variant has not been reported in the literature in individuals affected with TG-related conditions. For these reasons, this variant has been classified as Pathogenic.

Literature cited by the submitters: PubMed 19837936; PubMed 23164529.

NM_003235.5(TG):c.7276_7277insT (p.His2426fs)

Genes: SLA (Src like adaptor; minus strand), TG (thyroglobulin; plus strand). Cytogenetic location: 8q24.22.
Variant type: Insertion.
Coding change: c.7276_7277insT on transcript NM_003235.5 (MANE Select); coding-DNA positions 7276 to 7277, T inserted.
Protein change: p.His2426fs; shifts the reading frame from histidine 2426.
Molecular consequence: frameshift variant. On other transcripts: intron variant (4).
Genome position: GRCh38 VCF-style: chr8-133095080-C-CT. GRCh37 (hg19) VCF-style: chr8-134107324-C-CT.
Other names: c.-264+7472_-264+7473insA (NM_001282965.2); c.11+7472_11+7473insA (NM_001282964.2, NM_001045557.3); c.-319+7472_-319+7473insA (NM_001045556.3); short protein forms H2426fs.
Identifiers: ClinVar variation 3633212 (VCV003633212.2).